The following is an entry in ClinVar:

NM_000095.3(COMP):c.1024G>A (p.Asp342Asn)

Gene: COMP (cartilage oligomeric matrix protein; minus strand). Cytogenetic location: 19p13.11.
Variant type: single nucleotide variant.
Coding change: c.1024G>A on transcript NM_000095.3 (MANE Select); coding-DNA position 1024, G replaced by A.
Protein change: p.Asp342Asn; replaces aspartic acid 342 with asparagine.
Molecular consequence: missense variant.
Genome position (GRCh38, 1-based): chr19:18,787,602, C>T on the plus strand (G>A on the coding strand, the complement: COMP is on the minus strand). VCF-style: chr19-18787602-C-T. GRCh37 (hg19) VCF-style: chr19-18898411-C-T.
Other names: short protein forms D342N.
Identifiers: ClinVar variation 4740457 (VCV004740457.1).

ClinVar aggregate classification (germline): Likely pathogenic (1 of 4 stars; one submission).

Submission:

Labcorp Genetics (formerly Invitae), Labcorp
Classification: Likely pathogenic. Last evaluated: 2025-08-20. Review status: criteria provided, single submitter. Criteria: Invitae Variant Classification Sherloc (09022015). Collection method: clinical testing. Allele origin: germline.
Comment: This sequence change replaces aspartic acid, which is acidic and polar, with asparagine, which is neutral and polar, at codon 342 of the COMP protein (p.Asp342Asn). This variant is not present in population databases (gnomAD no frequency). This missense change has been observed in individual(s) with clinical features of multiple epiphyseal dysplasia (internal data). Invitae Evidence Modeling of protein sequence and biophysical properties (such as structural, functional, and spatial information, amino acid conservation, physicochemical variation, residue mobility, and thermodynamic stability) indicates that this missense variant is expected to disrupt COMP protein function with a positive predictive value of 80%. This variant disrupts the p.Asp342 amino acid residue in COMP. Other variant(s) that disrupt this residue have been determined to be pathogenic (PMID: 7670472). This suggests that this residue is clinically significant, and that variants that disrupt this residue are likely to be disease-causing. In summary, the currently available evidence indicates that the variant is pathogenic, but additional data are needed to prove that conclusively. Therefore, this variant has been classified as Likely Pathogenic.

Literature cited by the submitters: PubMed 7670472.